The following is an entry in ClinVar:

ClinVar aggregate classification (germline): Likely pathogenic (1 of 4 stars; one submission).

Conditions:
Deficiency of acetyl-CoA acetyltransferase. Also called: 3-KETOTHIOLASE DEFICIENCY; 3-OXOTHIOLASE DEFICIENCY; MITOCHONDRIAL ACETOACETYL-CoA THIOLASE DEFICIENCY; Beta-ketothiolase deficiency. Identifiers: Orphanet 134, MedGen C1536500, MONDO:0008760, OMIM 203750. Disease mechanism: loss of function.

Submission:

Labcorp Genetics (formerly Invitae), Labcorp
Classification: Likely pathogenic for Deficiency of acetyl-CoA acetyltransferase. Last evaluated: 2025-04-24. Review status: criteria provided, single submitter. Criteria: Invitae Variant Classification Sherloc (09022015). Collection method: clinical testing. Allele origin: germline.
Comment: This sequence change replaces alanine, which is neutral and non-polar, with threonine, which is neutral and polar, at codon 419 of the ACAT1 protein (p.Ala419Thr). This variant is not present in population databases (gnomAD no frequency). This missense change has been observed in individual(s) with beta-ketothiolase deficiency (internal data). In at least one individual the data is consistent with being in trans (on the opposite chromosome) from a pathogenic variant. Invitae Evidence Modeling of protein sequence and biophysical properties (such as structural, functional, and spatial information, amino acid conservation, physicochemical variation, residue mobility, and thermodynamic stability) indicates that this missense variant is expected to disrupt ACAT1 protein function with a positive predictive value of 95%. In summary, the currently available evidence indicates that the variant is pathogenic, but additional data are needed to prove that conclusively. Therefore, this variant has been classified as Likely Pathogenic.

NM_000019.4(ACAT1):c.1255G>A (p.Ala419Thr)

Gene: ACAT1 (acetyl-CoA acetyltransferase 1; plus strand). Cytogenetic location: 11q22.3.
Variant type: single nucleotide variant.
Coding change: c.1255G>A on transcript NM_000019.4 (MANE Select); coding-DNA position 1255, G replaced by A.
Protein change: p.Ala419Thr; replaces alanine 419 with threonine.
Molecular consequence: missense variant. On other transcripts: non-coding transcript variant (2).
Genome position (GRCh38, 1-based): chr11:108,147,361, G>A. VCF-style: chr11-108147361-G-A. GRCh37 (hg19) VCF-style: chr11-108018088-G-A.
Other names: c.1276G>A, p.Ala426Thr (NM_001386677.1); c.940G>A, p.Ala314Thr (NM_001386678.1); c.958G>A, p.Ala320Thr (NM_001386679.1); c.985G>A, p.Ala329Thr (NM_001386681.1, NM_001386682.1, NM_001386685.1 and 6 more transcripts); short protein forms A329T, A419T, A426T, A314T, A320T.
Identifiers: ClinVar variation 4709845 (VCV004709845.1).